The following is an entry in ClinVar:

NM_003924.4(PHOX2B):c.836C>T (p.Pro279Leu)

Gene: PHOX2B (paired like homeobox 2B; minus strand). Cytogenetic location: 4p13.
Variant type: single nucleotide variant.
Coding change: c.836C>T on transcript NM_003924.4 (MANE Select); coding-DNA position 836, C replaced by T.
Protein change: p.Pro279Leu; replaces proline 279 with leucine.
Molecular consequence: missense variant.
Genome position (GRCh38, 1-based): chr4:41,745,916, G>A on the plus strand (C>T on the coding strand, the complement: PHOX2B is on the minus strand). VCF-style: chr4-41745916-G-A. GRCh37 (hg19) VCF-style: chr4-41747933-G-A.
Other names: short protein forms P279L.
Identifiers: ClinVar variation 855775 (VCV000855775.11), dbSNP rs1733870310, ClinGen allele CA356737042.

ClinVar aggregate classification (germline): Uncertain significance. Review status: criteria provided, multiple submitters, no conflicts (2 of 4 stars). 3 submissions from 3 submitters: Uncertain significance (3). Last evaluated 2024-04-01.

Conditions:
Haddad syndrome (OHD). Also called: Ondine-Hirschsprung disease. Identifiers: Orphanet 99803, MedGen C1859049, MONDO:0020493.
Neuroblastoma, susceptibility to, 2. Identifiers: Orphanet 635, MedGen C2751682, MONDO:0700041, OMIM 613013.
Hereditary cancer-predisposing syndrome. Also called: Tumor predisposition; Hereditary neoplastic syndrome; Neoplastic Syndromes, Hereditary; Hereditary Cancer Syndrome. Identifiers: Orphanet 140162, MedGen C0027672, MeSH D009386, MONDO:0015356.

Allele frequency attached by ClinVar (database versions not stated): gnomAD exomes below 0.00001.

Submissions (3):

Ambry Genetics
Classification: Uncertain significance for Hereditary cancer-predisposing syndrome. Last evaluated: 2024-04-01. Review status: criteria provided, single submitter. Criteria: Ambry Variant Classification Scheme 2023. Collection method: clinical testing. Allele origin: germline.
Comment: The p.P279L variant (also known as c.836C>T), located in coding exon 3 of the PHOX2B gene, results from a C to T substitution at nucleotide position 836. The proline at codon 279 is replaced by leucine, an amino acid with similar properties. This amino acid position is conserved. In addition, this alteration is predicted to be tolerated by in silico analysis. Based on the available evidence, the clinical significance of this alteration remains unclear.

Labcorp Genetics (formerly Invitae), Labcorp
Classification: Uncertain significance for Haddad syndrome. Last evaluated: 2023-08-24. Review status: criteria provided, single submitter. Criteria: Invitae Variant Classification Sherloc (09022015). Collection method: clinical testing. Allele origin: germline.
Comment: This variant has not been reported in the literature in individuals affected with PHOX2B-related conditions. ClinVar contains an entry for this variant (Variation ID: 855775). Experimental studies and prediction algorithms are not available or were not evaluated, and the functional significance of this variant is currently unknown. In summary, the available evidence is currently insufficient to determine the role of this variant in disease. Therefore, it has been classified as a Variant of Uncertain Significance. This variant is not present in population databases (gnomAD no frequency). This sequence change replaces proline, which is neutral and non-polar, with leucine, which is neutral and non-polar, at codon 279 of the PHOX2B protein (p.Pro279Leu).

Baylor Genetics
Classification: Uncertain significance for Neuroblastoma, susceptibility to, 2. Last evaluated: 2023-06-14. Review status: criteria provided, single submitter. Criteria: ACMG Guidelines, 2015. Collection method: clinical testing. Allele origin: unknown.